The following is an entry in ClinVar:

NM_018163.3(DNAJC17):c.13A>G (p.Lys5Glu)

Genes: ZFYVE19 (zinc finger FYVE-type containing 19; plus strand), DNAJC17 (DnaJ heat shock protein family (Hsp40) member C17; minus strand), LOC130056871 (ATAC-STARR-seq lymphoblastoid active region 9265; plus strand). Cytogenetic location: 15q15.1.
Variant type: single nucleotide variant.
Coding change: c.13A>G on transcript NM_018163.3 (MANE Select); coding-DNA position 13, A replaced by G.
Protein change: p.Lys5Glu; replaces lysine 5 with glutamic acid.
Molecular consequence: missense variant. On other transcripts: 5 prime UTR variant (3), intron variant (1).
Genome position (GRCh38, 1-based): chr15:40,807,434, T>C on the plus strand (A>G on the coding strand, the complement: DNAJC17 is on the minus strand). VCF-style: chr15-40807434-T-C. GRCh37 (hg19) VCF-style: chr15-41099632-T-C.
Other names: c.-156T>C (NM_001077268.2, NM_001258420.2); c.-484T>C (NM_001258421.2); c.125+21T>C (NM_032850.5); short protein forms K5E.
Identifiers: ClinVar variation 4761823 (VCV004761823.1).

ClinVar aggregate classification (germline): Uncertain significance (1 of 4 stars; one submission).

gnomAD v4.1: 7 of 1,614,132 alleles (0.00043%); highest among the groups gnomAD compares: African/African-American, 0.0053%; no homozygotes.

Submission:

Labcorp Genetics (formerly Invitae), Labcorp
Classification: Uncertain significance. Last evaluated: 2025-07-27. Review status: criteria provided, single submitter. Criteria: Invitae Variant Classification Sherloc (09022015). Collection method: clinical testing. Allele origin: germline.
Comment: This sequence change replaces lysine, which is basic and polar, with glutamic acid, which is acidic and polar, at codon 5 of the DNAJC17 protein (p.Lys5Glu). This variant is not present in population databases (gnomAD no frequency). This variant has not been reported in the literature in individuals affected with DNAJC17-related conditions. An algorithm developed to predict the effect of missense changes on protein structure and function (PolyPhen-2) suggests that this variant is likely to be disruptive. In summary, the available evidence is currently insufficient to determine the role of this variant in disease. Therefore, it has been classified as a Variant of Uncertain Significance.